The following is an entry in ClinVar:

ClinVar aggregate classification (germline): Uncertain significance (1 of 4 stars; one submission).

Conditions:
VN1R4-related condition.

Submission:

PreventionGenetics, part of Exact Sciences
Classification: Uncertain significance for VN1R4-related condition. Last evaluated: 2025-12-19. Review status: criteria provided, single submitter. Criteria: ACMG Guidelines, 2015. Collection method: clinical testing. Allele origin: germline.
Comment: The VN1R4 c.261T>A variant is predicted to result in the amino acid substitution p.His87Gln. To our knowledge, this variant has not been reported in the literature or in a large population database (gnomAD), indicating this variant is rare. At this time, the clinical significance of this variant is uncertain due to the absence of conclusive functional and genetic evidence.

NM_173857.3(VN1R4):c.261T>A (p.His87Gln)

Gene: VN1R4 (vomeronasal 1 receptor 4; minus strand). Cytogenetic location: 19q13.42.
Variant type: single nucleotide variant.
Coding change: c.261T>A on transcript NM_173857.3 (MANE Select); coding-DNA position 261, T replaced by A.
Protein change: p.His87Gln; replaces histidine 87 with glutamine.
Molecular consequence: missense variant.
Genome position (GRCh38, 1-based): chr19:53,267,405, A>T on the plus strand (T>A on the coding strand, the complement: VN1R4 is on the minus strand). VCF-style: chr19-53267405-A-T. GRCh37 (hg19) VCF-style: chr19-53770658-A-T.
Other names: short protein forms H87Q.
Identifiers: ClinVar variation 4998229 (VCV004998229.1).